The following is an entry in ClinVar:

NM_001283009.2(RTEL1):c.2110G>A (p.Asp704Asn)

Genes: RTEL1 (regulator of telomere elongation helicase 1; plus strand), RTEL1-TNFRSF6B (RTEL1-TNFRSF6B readthrough (NMD candidate); plus strand). Cytogenetic location: 20q13.33.
Variant type: single nucleotide variant.
Coding change: c.2110G>A on transcript NM_001283009.2 (MANE Select); coding-DNA position 2110, G replaced by A.
Protein change: p.Asp704Asn; replaces aspartic acid 704 with asparagine.
Molecular consequence: missense variant. On other transcripts: non-coding transcript variant (1).
Genome position (GRCh38, 1-based): chr20:63,689,834, G>A. VCF-style: chr20-63689834-G-A. GRCh37 (hg19) VCF-style: chr20-62321187-G-A.
Other names: c.1441G>A, p.Asp481Asn (NM_001283010.1); c.2110G>A, p.Asp704Asn (NM_016434.4); c.2182G>A, p.Asp728Asn (NM_032957.5); short protein forms D481N, D704N, D728N.
Identifiers: ClinVar variation 3755694 (VCV003755694.2).

ClinVar aggregate classification (germline): Uncertain significance (1 of 4 stars; one submission).

Conditions:
Pulmonary fibrosis and/or bone marrow failure, Telomere-related, 3. Also called: PULMONARY FIBROSIS AND/OR BONE MARROW FAILURE SYNDROME, TELOMERE-RELATED, 3. Identifiers: Orphanet 2032, MedGen C4225346, MONDO:0014613, OMIM 616373.
Dyskeratosis congenita, autosomal recessive 5 (DKCB5). Identifiers: MedGen C3554656, MONDO:0014076, OMIM 615190.

Submission:

Labcorp Genetics (formerly Invitae), Labcorp
Classification: Uncertain significance for Dyskeratosis congenita, autosomal recessive 5; Pulmonary fibrosis and/or bone marrow failure, Telomere-related, 3. Last evaluated: 2024-04-04. Review status: criteria provided, single submitter. Criteria: Invitae Variant Classification Sherloc (09022015). Collection method: clinical testing. Allele origin: germline.
Comment: This sequence change replaces aspartic acid, which is acidic and polar, with asparagine, which is neutral and polar, at codon 704 of the RTEL1 protein (p.Asp704Asn). This variant is not present in population databases (gnomAD no frequency). This variant has not been reported in the literature in individuals affected with RTEL1-related conditions. An algorithm developed to predict the effect of missense changes on protein structure and function (PolyPhen-2) suggests that this variant is likely to be disruptive. In summary, the available evidence is currently insufficient to determine the role of this variant in disease. Therefore, it has been classified as a Variant of Uncertain Significance.